The following is an entry in ClinVar:

NM_015295.3(SMCHD1):c.3028A>G (p.Lys1010Glu)

Gene: SMCHD1 (structural maintenance of chromosomes flexible hinge domain containing 1; plus strand). Cytogenetic location: 18p11.32.
Variant type: single nucleotide variant.
Coding change: c.3028A>G on transcript NM_015295.3 (MANE Select); coding-DNA position 3028, A replaced by G.
Protein change: p.Lys1010Glu; replaces lysine 1010 with glutamic acid.
Molecular consequence: missense variant.
Genome position (GRCh38, 1-based): chr18:2,729,389, A>G. VCF-style: chr18-2729389-A-G. GRCh37 (hg19) VCF-style: chr18-2729387-A-G.
Other names: short protein forms K1010E.
Identifiers: ClinVar variation 4764664 (VCV004764664.1).

ClinVar aggregate classification (germline): Uncertain significance (1 of 4 stars; one submission).

Conditions:
Facioscapulohumeral muscular dystrophy 2 (FSHD2). Also called: MUSCULAR DYSTROPHY, FACIOSCAPULOHUMERAL, TYPE 1B; FACIOSCAPULOHUMERAL MUSCULAR DYSTROPHY 2, DIGENIC; FSHD2, DIGENIC. Identifiers: Orphanet 269, MedGen C1834671, MONDO:0008031, OMIM 158901.

gnomAD v4.1: 18 of 1,531,734 alleles (0.0012%); highest among the groups gnomAD compares: Admixed American, 0.0022%; no homozygotes.

Submission:

Labcorp Genetics (formerly Invitae), Labcorp
Classification: Uncertain significance for Facioscapulohumeral muscular dystrophy 2. Last evaluated: 2025-12-29. Review status: criteria provided, single submitter. Criteria: Invitae Variant Classification Sherloc (09022015). Collection method: clinical testing. Allele origin: germline.
Comment: This sequence change replaces lysine, which is basic and polar, with glutamic acid, which is acidic and polar, at codon 1010 of the SMCHD1 protein (p.Lys1010Glu). The frequency data for this variant in the population databases is considered unreliable, as metrics indicate poor data quality at this position in the gnomAD database. This variant has not been reported in the literature in individuals affected with SMCHD1-related conditions. Invitae Evidence Modeling of protein sequence and biophysical properties (such as structural, functional, and spatial information, amino acid conservation, physicochemical variation, residue mobility, and thermodynamic stability) indicates that this missense variant is not expected to disrupt SMCHD1 protein function with a negative predictive value of 80%. In summary, the available evidence is currently insufficient to determine the role of this variant in disease. Therefore, it has been classified as a Variant of Uncertain Significance.